The following is an entry in ClinVar:

NM_001134407.3(GRIN2A):c.2909G>A (p.Arg970Gln)

Gene: GRIN2A (glutamate ionotropic receptor NMDA type subunit 2A; minus strand). Cytogenetic location: 16p13.2.
Variant type: single nucleotide variant.
Coding change: c.2909G>A on transcript NM_001134407.3 (MANE Select); coding-DNA position 2909, G replaced by A.
Protein change: p.Arg970Gln; replaces arginine 970 with glutamine.
Molecular consequence: missense variant.
Genome position (GRCh38, 1-based): chr16:9,764,635, C>T on the plus strand (G>A on the coding strand, the complement: GRIN2A is on the minus strand). VCF-style: chr16-9764635-C-T. GRCh37 (hg19) VCF-style: chr16-9858492-C-T.
Other names: c.2909G>A, p.Arg970Gln (NM_000833.5, NM_001134408.2); short protein forms R970Q.
Identifiers: ClinVar variation 431873 (VCV000431873.18), dbSNP rs148669437, ClinGen allele CA7896404.
Genomic context (GRCh38, chr16:9,764,635, plus strand): 5'-TCATTGAGAGTAAGAGGATGTTGTCCCTGGAATACATAGTTATTGAGGTTATCCTTCTGC[C>T]GGTTGGCCACAAATGTTTGGAGTTCGTTCATGTTGTCTCCAAAAATGCTCTCTTTCCCCT-3'
Protein context (NP_001127879.1, residues 960-980): MNELQTFVAN[Arg970Gln]QKDNLNNYVF

ClinVar aggregate classification (germline): Conflicting classifications of pathogenicity. Review status: criteria provided, conflicting classifications (1 of 4 stars). 5 submissions from 5 submitters: Uncertain significance (2); Likely benign (3). Last evaluated 2025-12-22.

Conditions:
Inborn genetic diseases. Identifiers: MedGen C0950123, MeSH D030342.
Landau-Kleffner syndrome (FESD). Also called: EPILEPSY, FOCAL, WITH SPEECH DISORDER AND WITH OR WITHOUT MENTAL RETARDATION; APHASIA, ACQUIRED, WITH EPILEPSY. Identifiers: Orphanet 1945, Orphanet 725, Orphanet 98818, MedGen C0282512, MONDO:0009509, OMIM 245570.

Allele frequency attached by ClinVar (database versions not stated): ESP Exome Variant Server 0.00008; ExAC 0.00002; TOPMed 0.00004; gnomAD exomes 0.00011 and 0.00006.
gnomAD v4.1: 166 of 1,613,980 alleles (0.01%); highest among the groups gnomAD compares: Non-Finnish European, 0.013%; no homozygotes.

Submissions (5):

Labcorp Genetics (formerly Invitae), Labcorp
Classification: Likely benign for Landau-Kleffner syndrome. Last evaluated: 2025-12-22. Review status: criteria provided, single submitter. Criteria: Invitae Variant Classification Sherloc (09022015). Collection method: clinical testing. Allele origin: germline.

Women's Health and Genetics/Laboratory Corporation of America, LabCorp
Classification: Uncertain significance. Last evaluated: 2025-10-13. Review status: criteria provided, single submitter. Criteria: LabCorp Variant Classification Summary - May 2015. Collection method: clinical testing. Allele origin: germline.
Comment: Variant summary: GRIN2A c.2909G>A (p.Arg970Gln) results in a conservative amino acid change in the encoded protein sequence. Algorithms developed to predict the effect of missense changes on protein structure and function are either unavailable or do not agree on the potential impact of this missense change. The variant allele was found at a frequency of 5.6e-05 in 251376 control chromosomes. This frequency is not significantly higher than estimated for disease-causing variants in GRIN2A, allowing no conclusion about variant significance. To our knowledge, no occurrence of c.2909G>A in individuals affected with GRIN2A-related conditions and no experimental evidence demonstrating its impact on protein function have been reported. ClinVar contains an entry for this variant (Variation ID: 431873). Based on the evidence outlined above, the variant was classified as uncertain significance.

Ambry Genetics
Classification: Likely benign for Inborn genetic diseases. Last evaluated: 2024-09-11. Review status: criteria provided, single submitter. Criteria: Ambry Variant Classification Scheme 2023. Collection method: clinical testing. Allele origin: germline.

GeneDx
Classification: Likely benign. Last evaluated: 2023-04-18. Review status: criteria provided, single submitter. Criteria: GeneDx Variant Classification Process June 2021. Collection method: clinical testing. Allele origin: germline. Affected: yes.
Comment: See Variant Classification Assertion Criteria.

Illumina Laboratory Services, Illumina
Classification: Uncertain significance for Landau-Kleffner syndrome. Last evaluated: 2018-01-13. Review status: criteria provided, single submitter. Criteria: ICSL Variant Classification Criteria 13 December 2019. Collection method: clinical testing. Allele origin: germline.